The following is an entry in ClinVar:

ClinVar aggregate classification (germline): Uncertain significance. Review status: criteria provided, multiple submitters, no conflicts (2 of 4 stars). 2 submissions from 2 submitters: Uncertain significance (2). Last evaluated 2025-08-25.

Allele frequency attached by ClinVar (database versions not stated): TOPMed 0.00005; gnomAD 0.00006 and 0.00009; gnomAD exomes 0.00006 and 0.00011; ExAC 0.00017; 1000 Genomes Project 30x 0.00062; 1000 Genomes Project 0.00080.
gnomAD v4.1: 107 of 1,614,028 alleles (0.0066%); highest among the groups gnomAD compares: South Asian, 0.076%; 2 homozygotes.

Submissions (2):

Ambry Genetics
Classification: Uncertain significance. Last evaluated: 2025-08-25. Review status: criteria provided, single submitter. Criteria: Ambry Variant Classification Scheme 2023. Collection method: clinical testing. Allele origin: germline.

Labcorp Genetics (formerly Invitae), Labcorp
Classification: Uncertain significance. Last evaluated: 2025-08-04. Review status: criteria provided, single submitter. Criteria: Invitae Variant Classification Sherloc (09022015). Collection method: clinical testing. Allele origin: germline.
Comment: This sequence change replaces arginine, which is basic and polar, with glutamine, which is neutral and polar, at codon 378 of the ADGRA3 protein (p.Arg378Gln). This variant is present in population databases (rs535789557, gnomAD 0.07%), and has an allele count higher than expected for a pathogenic variant. This variant has not been reported in the literature in individuals affected with ADGRA3-related conditions. ClinVar contains an entry for this variant (Variation ID: 962703). An algorithm developed to predict the effect of missense changes on protein structure and function (PolyPhen-2) suggests that this variant is likely to be tolerated. In summary, the available evidence is currently insufficient to determine the role of this variant in disease. Therefore, it has been classified as a Variant of Uncertain Significance.

NM_145290.4(ADGRA3):c.1133G>A (p.Arg378Gln)

Gene: ADGRA3 (adhesion G protein-coupled receptor A3; minus strand). Cytogenetic location: 4p15.2.
Variant type: single nucleotide variant.
Coding change: c.1133G>A on transcript NM_145290.4 (MANE Select); coding-DNA position 1133, G replaced by A.
Protein change: p.Arg378Gln; replaces arginine 378 with glutamine.
Molecular consequence: missense variant.
Genome position (GRCh38, 1-based): chr4:22,436,594, C>T on the plus strand (G>A on the coding strand, the complement: ADGRA3 is on the minus strand). VCF-style: chr4-22436594-C-T. GRCh37 (hg19) VCF-style: chr4-22438217-C-T.
Other names: c.1133G>A (NM_145290.2); short protein forms R378Q.
Identifiers: ClinVar variation 962703 (VCV000962703.9), dbSNP rs535789557, ClinGen allele CA2874026.